The following is an entry in ClinVar:

NM_000179.3(MSH6):c.458-14_458-11del

Gene: MSH6 (mutS homolog 6; plus strand). Cytogenetic location: 2p16.3.
Variant type: Deletion.
Coding change: c.458-14_458-11del on transcript NM_000179.3 (MANE Select); 14 bases into the intron before coding-DNA position 458 through 11 bases into the intron before coding-DNA position 458, 4 bases deleted (ACAT; older notation c.458-14_458-11delACAT).
Molecular consequence: intron variant.
Genome position (GRCh38, 1-based): chr2:47,795,880-47,795,883, ACAT deleted; deleting any 4 consecutive bases within chr2:47,795,878-47,795,883 gives the same sequence; the c. name uses the placement nearest the transcript's 3' end. VCF-style (leftmost placement, unchanged base first): chr2-47795877-AATAC-A. GRCh37 (hg19) VCF-style: chr2-48023016-AATAC-A.
Other names: c.-279-2731_-279-2728del (NM_001281493.2); c.238-2731_238-2728del (NM_001281492.2); c.-445-14_-445-11del (NM_001281494.2); c.458-14_458-11delACAT (NM_000179.2).
Identifiers: ClinVar variation 630776 (VCV000630776.13), dbSNP rs1256966115, ClinGen allele CA532705749.
Genomic context (GRCh38, chr2:47,795,877, plus strand): 5'-TGGTCTTGAACTGCTGGGATTACAGGCGTGAGCCTCTGCACCCGGCCCTTATTGTTTATA[AATAC>A]ATTTCTTTCTAGGTTCAAAATCAAAGGAAGCCCAGAAGGGAGGTCATTTTTACAGTGCAA-3'

ClinVar aggregate classification (germline): Conflicting classifications of pathogenicity. Review status: criteria provided, conflicting classifications (1 of 4 stars). 5 submissions from 5 submitters: Uncertain significance (1); Likely benign (4). Last evaluated 2025-11-09.

Conditions:
Lynch syndrome 5 (LYNCH5). Also called: Hereditary non-polyposis colorectal cancer, type 5; Colorectal cancer, hereditary nonpolyposis, type 5. Identifiers: Orphanet 144, MedGen C1833477, MONDO:0013710, OMIM 614350. Disease mechanism: loss of function.
Hereditary nonpolyposis colorectal neoplasms. Identifiers: MedGen C0009405, MeSH D003123.
Hereditary cancer-predisposing syndrome. Also called: Tumor predisposition; Neoplastic Syndromes, Hereditary; Hereditary neoplastic syndrome; Hereditary Cancer Syndrome. Identifiers: Orphanet 140162, MedGen C0027672, MeSH D009386, MONDO:0015356.
Lynch syndrome. Identifiers: Orphanet 144, MedGen C4552100, MONDO:0005835. Disease mechanism: loss of function.

Submissions (5):

Labcorp Genetics (formerly Invitae), Labcorp
Classification: Likely benign for Hereditary nonpolyposis colorectal neoplasms. Last evaluated: 2025-11-09. Review status: criteria provided, single submitter. Criteria: Invitae Variant Classification Sherloc (09022015). Collection method: clinical testing. Allele origin: germline.

Myriad Genetics, Inc.
Classification: Likely benign for Lynch syndrome 5. Last evaluated: 2024-12-18. Review status: criteria provided, single submitter. Criteria: Myriad Autosomal Dominant, Autosomal Recessive and X-Linked Classification Criteria (2023). Collection method: clinical testing. Allele origin: unknown.
Comment: This variant is considered likely benign. This variant is intronic and is not expected to impact mRNA splicing.

All of Us Research Program, National Institutes of Health
Classification: Likely benign for Lynch syndrome. Last evaluated: 2024-04-16. Review status: criteria provided, single submitter. Criteria: ACMG Guidelines, 2015. Collection method: clinical testing. Allele origin: germline. Inheritance: Autosomal dominant inheritance. Observed: 1 variant allele, 1 heterozygote.
Comment: This study involves interpretation of variants in research participants for the purpose of population health screening. Participant phenotype was not available at the time of variant classification. Additional details can be found in publication PMID: 35346344, PMCID: PMC8962531

Color Diagnostics, LLC DBA Color Health
Classification: Likely benign for Hereditary cancer-predisposing syndrome. Last evaluated: 2017-11-16. Review status: criteria provided, single submitter. Criteria: ACMG Guidelines, 2015. Collection method: clinical testing. Allele origin: germline.

Ambry Genetics
Classification: Uncertain significance for Hereditary cancer-predisposing syndrome. Last evaluated: 2015-09-27. Review status: criteria provided, single submitter. Criteria: Ambry Variant Classification Scheme 2023. Collection method: clinical testing. Allele origin: germline.
Comment: The c.458-14_458-11delACAT alteration is located in Intron 2 (E) of the MSH6 gene. This alteration consists of a deletion of 4 nucleotides at nucleotide position c.458-14 Intron 2 (E). Based on insufficient or conflicting evidence, the clinical significance of this alteration remains unclear.